The following is an entry in ClinVar:

NM_000032.5(ALAS2):c.1714C>T (p.Arg572Cys)

Gene: ALAS2 (5'-aminolevulinate synthase 2; minus strand). Cytogenetic location: Xp11.21.
Variant type: single nucleotide variant.
Coding change: c.1714C>T on transcript NM_000032.5 (MANE Select); coding-DNA position 1714, C replaced by T.
Protein change: p.Arg572Cys; replaces arginine 572 with cysteine.
Molecular consequence: missense variant.
Genome position (GRCh38, 1-based): chrX:55,009,230, G>A on the plus strand (C>T on the coding strand, the complement: ALAS2 is on the minus strand). VCF-style: chrX-55009230-G-A. GRCh37 (hg19) VCF-style: chrX-55035663-G-A.
Other names: c.1603C>T, p.Arg535Cys (NM_001037967.4); c.1675C>T, p.Arg559Cys (NM_001037968.4); short protein forms R535C, R559C, R572C.
Identifiers: ClinVar variation 4997901 (VCV004997901.1).

ClinVar aggregate classification (germline): Uncertain significance (1 of 4 stars; one submission).

Conditions:
ALAS2-related disorder. Also called: ALAS2-related condition.

gnomAD v4.1: 3 of 1,208,252 alleles (0.00025%); highest among the groups gnomAD compares: Non-Finnish European, 0.00034%; no homozygotes.

Submission:

PreventionGenetics, part of Exact Sciences
Classification: Uncertain significance for ALAS2-related condition. Last evaluated: 2025-08-05. Review status: criteria provided, single submitter. Criteria: ACMG Guidelines, 2015. Collection method: clinical testing. Allele origin: germline.
Comment: The ALAS2 c.1714C>T variant is predicted to result in the amino acid substitution p.Arg572Cys. To our knowledge, this variant has not been reported in the literature. This variant is reported in 0.0013% of alleles in individuals of European (Non-Finnish) descent in gnomAD. An alternate missense change at this amino acid position (p.Arg572His) has been reported in two unrelated individuals with sideroblastic anemia; however, functional studies indicated this variant had no impact of enzyme function (Ducamp et al. 2011. PubMed ID: 21309041). Although we suspect that the p.Arg572Cys variant may be pathogenic, at this time, the clinical significance of this variant is uncertain due to the absence of conclusive functional and genetic evidence.